The following is an entry in ClinVar:

ClinVar aggregate classification (germline): Uncertain significance (1 of 4 stars; one submission).

Allele frequency attached by ClinVar (database versions not stated): gnomAD 0.00001; gnomAD exomes 0.00001; ExAC 0.00002; TOPMed 0.00002.
gnomAD v4.1: 15 of 1,613,874 alleles (0.00093%); highest among the groups gnomAD compares: African/African-American, 0.0053%; no homozygotes.

Submission:

Labcorp Genetics (formerly Invitae), Labcorp
Classification: Uncertain significance. Last evaluated: 2021-02-02. Review status: criteria provided, single submitter. Criteria: Invitae Variant Classification Sherloc (09022015). Collection method: clinical testing. Allele origin: germline.
Comment: In summary, the available evidence is currently insufficient to determine the role of this variant in disease. Therefore, it has been classified as a Variant of Uncertain Significance. Algorithms developed to predict the effect of missense changes on protein structure and function output the following: SIFT: "Not Available"; PolyPhen-2: "Benign"; Align-GVGD: "Not Available". The cysteine amino acid residue is found in multiple mammalian species, suggesting that this missense change does not adversely affect protein function. These predictions have not been confirmed by published functional studies and their clinical significance is uncertain. This variant has not been reported in the literature in individuals with MYO18B-related conditions. This variant is present in population databases (rs759376174, ExAC 0.01%). This sequence change replaces arginine with cysteine at codon 2435 of the MYO18B protein (p.Arg2435Cys). The arginine residue is moderately conserved and there is a large physicochemical difference between arginine and cysteine.

NM_032608.7(MYO18B):c.7303C>T (p.Arg2435Cys)

Gene: MYO18B (myosin XVIIIB; plus strand). Cytogenetic location: 22q12.1.
Variant type: single nucleotide variant.
Coding change: c.7303C>T on transcript NM_032608.7 (MANE Select); coding-DNA position 7303, C replaced by T.
Protein change: p.Arg2435Cys; replaces arginine 2435 with cysteine.
Molecular consequence: missense variant.
Genome position (GRCh38, 1-based): chr22:26,027,277, C>T. VCF-style: chr22-26027277-C-T. GRCh37 (hg19) VCF-style: chr22-26423243-C-T.
Other names: c.7306C>T, p.Arg2436Cys (NM_001318245.2); short protein forms R2436C, R2435C.
Identifiers: ClinVar variation 1477497 (VCV001477497.6), dbSNP rs759376174, ClinGen allele CA10161745.